The following is an entry in ClinVar:

NM_006899.5(IDH3B):c.529G>A (p.Glu177Lys)

Gene: IDH3B (isocitrate dehydrogenase (NAD(+)) 3 non-catalytic subunit beta; minus strand). Cytogenetic location: 20p13.
Variant type: single nucleotide variant.
Coding change: c.529G>A on transcript NM_006899.5 (MANE Select); coding-DNA position 529, G replaced by A.
Protein change: p.Glu177Lys; replaces glutamic acid 177 with lysine.
Molecular consequence: missense variant. On other transcripts: non-coding transcript variant (1).
Genome position (GRCh38, 1-based): chr20:2,660,699, C>T on the plus strand (G>A on the coding strand, the complement: IDH3B is on the minus strand). VCF-style: chr20-2660699-C-T. GRCh37 (hg19) VCF-style: chr20-2641345-C-T.
Other names: c.529G>A, p.Glu177Lys (NM_001258384.3, NM_001330763.2, NM_174855.4); short protein forms E177K.
Identifiers: ClinVar variation 1524429 (VCV001524429.7), dbSNP rs758544262, ClinGen allele CA9735269.
Genomic context (GRCh38, chr20:2,660,699, plus strand): 5'-GGAGCTCCACCTCTCTCCCATCTTCATCCTTGCCCTCCCCCAGTTTCTGGGGCCTCACCT[C>T]ATGTTCCAGAGAGCTGTACTCCCCTTCTGTCTGCTCTCGAATGATCACCAGGTCTAGATT-3'
Protein context (NP_008830.2, residues 167-187): TEGEYSSLEH[Glu177Lys]SARGVIECLK

ClinVar aggregate classification (germline): Uncertain significance. Review status: criteria provided, multiple submitters, no conflicts (2 of 4 stars). 2 submissions from 2 submitters: Uncertain significance (2). Last evaluated 2022-06-05.

Allele frequency attached by ClinVar (database versions not stated): gnomAD exomes below 0.00001; ExAC 0.00001; gnomAD 0.00001; TOPMed 0.00001.

Submissions (2):

Labcorp Genetics (formerly Invitae), Labcorp
Classification: Uncertain significance. Last evaluated: 2022-06-05. Review status: criteria provided, single submitter. Criteria: Invitae Variant Classification Sherloc (09022015). Collection method: clinical testing. Allele origin: germline.
Comment: This sequence change replaces glutamic acid, which is acidic and polar, with lysine, which is basic and polar, at codon 177 of the IDH3B protein (p.Glu177Lys). In summary, the available evidence is currently insufficient to determine the role of this variant in disease. Therefore, it has been classified as a Variant of Uncertain Significance. Algorithms developed to predict the effect of missense changes on protein structure and function are either unavailable or do not agree on the potential impact of this missense change (SIFT: "Not Available"; PolyPhen-2: "Probably Damaging"; Align-GVGD: "Not Available"). ClinVar contains an entry for this variant (Variation ID: 1524429). This variant has not been reported in the literature in individuals affected with IDH3B-related conditions. This variant is present in population databases (rs758544262, gnomAD 0.0009%).

Blueprint Genetics
Classification: Uncertain significance. Last evaluated: 2017-12-07. Review status: criteria provided, single submitter. Criteria: ACMG Guidelines, 2015. Collection method: clinical testing. Allele origin: germline.